The following is an entry in ClinVar:

NM_000937.5(POLR2A):c.146G>T (p.Gly49Val)

Gene: POLR2A (RNA polymerase II subunit A; plus strand). Cytogenetic location: 17p13.1.
Variant type: single nucleotide variant.
Coding change: c.146G>T on transcript NM_000937.5 (MANE Select); coding-DNA position 146, G replaced by T.
Protein change: p.Gly49Val; replaces glycine 49 with valine.
Molecular consequence: missense variant.
Genome position (GRCh38, 1-based): chr17:7,495,993, G>T. VCF-style: chr17-7495993-G-T. GRCh37 (hg19) VCF-style: chr17-7399312-G-T.
Other names: short protein forms G49V.
Identifiers: ClinVar variation 3572711 (VCV003572711.1).

ClinVar aggregate classification (germline): Uncertain significance (1 of 4 stars; one submission).

Submission:

GeneDx
Classification: Uncertain significance. Last evaluated: 2024-07-09. Review status: criteria provided, single submitter. Criteria: GeneDx Variant Classification Process June 2021. Collection method: clinical testing. Allele origin: germline. Affected: yes.
Comment: Not observed at significant frequency in large population cohorts (gnomAD); In silico analysis suggests this variant may impact gene splicing. In the absence of RNA/functional studies, the actual effect of this sequence change is unknown.; In silico analysis supports that this missense variant has a deleterious effect on protein structure/function; Has not been previously published as pathogenic or benign to our knowledge